The following is an entry in ClinVar:

NM_004544.4(NDUFA10):c.516G>A (p.Ala172=)

Gene: NDUFA10 (NADH:ubiquinone oxidoreductase subunit A10; minus strand). Cytogenetic location: 2q37.3.
Variant type: single nucleotide variant.
Coding change: c.516G>A on transcript NM_004544.4 (MANE Select); coding-DNA position 516, G replaced by A.
Protein change: p.Ala172=; no amino-acid change (alanine 172 retained).
Molecular consequence: synonymous variant. On other transcripts: non-coding transcript variant (4).
Genome position (GRCh38, 1-based): chr2:240,018,584, C>T on the plus strand (G>A on the coding strand, the complement: NDUFA10 is on the minus strand). VCF-style: chr2-240018584-C-T. GRCh37 (hg19) VCF-style: chr2-240958001-C-T.
Other names: c.516G>A, p.Ala172= (NM_001322019.2, NM_001322020.2).
Identifiers: ClinVar variation 506862 (VCV000506862.1), dbSNP rs762553028, ClinGen allele CA2201023.

ClinVar aggregate classification (germline): Likely benign (1 of 4 stars; one submission).

Allele frequency attached by ClinVar (database versions not stated): ExAC 0.00001; gnomAD exomes 0.00001.
gnomAD v4.1: 3 of 1,614,214 alleles (0.00019%); highest among the groups gnomAD compares: Non-Finnish European, 0.00017%; no homozygotes.

Submission:

GeneDx
Classification: Likely benign. Last evaluated: 2017-01-31. Review status: criteria provided, single submitter. Criteria: GeneDx Variant Classification (06012015). Collection method: clinical testing. Allele origin: germline. Affected: yes.
Comment: This variant is considered likely benign or benign based on one or more of the following criteria: it is a conservative change, it occurs at a poorly conserved position in the protein, it is predicted to be benign by multiple in silico algorithms, and/or has population frequency not consistent with disease.